The following is an entry in ClinVar:

ClinVar aggregate classification (germline): Conflicting classifications of pathogenicity. Review status: criteria provided, conflicting classifications (1 of 4 stars). 5 submissions from 3 submitters: Uncertain significance (2); Likely benign (3). Last evaluated 2024-03-26.

Conditions:
Bronchiectasis with or without elevated sweat chloride 1 (BESC1). Also called: Cystic Fibrosis-Like Syndrome. Identifiers: Orphanet 60033, MedGen C2749757, MONDO:0008887, OMIM 211400.
Liddle syndrome 1 (LIDLS1). Also called: PSEUDOALDOSTERONISM. Identifiers: Orphanet 526, MedGen CN031472, MONDO:0020607, OMIM 177200.
Pseudohypoaldosteronism, type IB2, autosomal recessive (PHA1B2). Identifiers: MedGen C5774255, MONDO:0859317, OMIM 620125.
Pseudohypoaldosteronism, type IB1, autosomal recessive. Also called: Pseudohypoaldosteronism, Type I, Autosomal Recessive; PHA I, AUTOSOMAL RECESSIVE; Autosomal recessive pseudohypoaldosteronism type 1; Pseudohypoaldosteronism, Type I, Recessive. Identifiers: Orphanet 171876, Orphanet 756, MedGen C5774176, MONDO:0009917, OMIM 264350.

Allele frequency attached by ClinVar (database versions not stated): gnomAD 0.00003; TOPMed 0.00004; ExAC 0.00008; gnomAD exomes 0.00008 and 0.00023; 1000 Genomes Project 30x 0.00016; 1000 Genomes Project 0.00020.

Submissions (5):

Fulgent Genetics
Classification: Likely benign for Liddle syndrome 1; Bronchiectasis with or without elevated sweat chloride 1; Pseudohypoaldosteronism, type IB2, autosomal recessive. Last evaluated: 2024-03-26. Review status: criteria provided, single submitter. Criteria: ACMG Guidelines, 2015. Collection method: clinical testing. Allele origin: germline.

Labcorp Genetics (formerly Invitae), Labcorp
Classification: Uncertain significance. Last evaluated: 2022-12-14. Review status: criteria provided, single submitter. Criteria: Invitae Variant Classification Sherloc (09022015). Collection method: clinical testing. Allele origin: germline.
Comment: In summary, the available evidence is currently insufficient to determine the role of this variant in disease. Therefore, it has been classified as a Variant of Uncertain Significance. Advanced modeling of protein sequence and biophysical properties (such as structural, functional, and spatial information, amino acid conservation, physicochemical variation, residue mobility, and thermodynamic stability) performed at Invitae indicates that this missense variant is not expected to disrupt SCNN1B protein function. ClinVar contains an entry for this variant (Variation ID: 887661). This missense change has been observed in individual(s) with clinical features of Liddle phenotype (PMID: 28052878). This variant is present in population databases (rs201279350, gnomAD 0.03%). This sequence change replaces arginine, which is basic and polar, with glutamine, which is neutral and polar, at codon 206 of the SCNN1B protein (p.Arg206Gln).

Illumina Laboratory Services, Illumina
Classification: Uncertain significance for Pseudohypoaldosteronism, type IB1, autosomal recessive. Last evaluated: 2018-01-13. Review status: criteria provided, single submitter. Criteria: ICSL Variant Classification Criteria 13 December 2019. Collection method: clinical testing. Allele origin: germline.

Illumina Laboratory Services, Illumina
Classification: Likely benign for Bronchiectasis with or without elevated sweat chloride 1. Last evaluated: 2018-01-13. Review status: criteria provided, single submitter. Criteria: ICSL Variant Classification Criteria 13 December 2019. Collection method: clinical testing. Allele origin: germline.
Comment: This variant was observed in the ICSL laboratory as part of a predisposition screen in an ostensibly healthy population. It had not been previously curated by ICSL or reported in the Human Gene Mutation Database (HGMD: prior to June 1st, 2018), and was therefore a candidate for classification through an automated scoring system. Utilizing variant allele frequency, disease prevalence and penetrance estimates, and inheritance mode, an automated score was calculated to assess if this variant is too frequent to cause the disease. Based on the score and internal cut-off values, a variant classified as likely benign is not then subjected to further curation. The score for this variant resulted in a classification of likely benign for this disease.

Illumina Laboratory Services, Illumina
Classification: Likely benign for Liddle syndrome 1. Last evaluated: 2018-01-13. Review status: criteria provided, single submitter. Criteria: ICSL Variant Classification Criteria 13 December 2019. Collection method: clinical testing. Allele origin: germline.
Comment: the same text as in the submission from Illumina Laboratory Services, Illumina above.

Literature cited by the submitters: PubMed 28052878 (cited by Labcorp Genetics (formerly Invitae), Labcorp).

NM_000336.3(SCNN1B):c.617G>A (p.Arg206Gln)

Gene: SCNN1B (sodium channel epithelial 1 subunit beta; plus strand). Cytogenetic location: 16p12.2.
Variant type: single nucleotide variant.
Coding change: c.617G>A on transcript NM_000336.3 (MANE Select); coding-DNA position 617, G replaced by A.
Protein change: p.Arg206Gln; replaces arginine 206 with glutamine.
Molecular consequence: missense variant.
Genome position (GRCh38, 1-based): chr16:23,355,330, G>A. VCF-style: chr16-23355330-G-A. GRCh37 (hg19) VCF-style: chr16-23366651-G-A.
Other names: short protein forms R206Q.
Identifiers: ClinVar variation 887661 (VCV000887661.8), dbSNP rs201279350, ClinGen allele CA7960202.
Genomic context (GRCh38, chr16:23,355,330, plus strand): 5'-CCCACAAAAACCCCTCTTGGCCTCCACAGTGTAGCCTCAACAGGACCCAGTGTACCTTCC[G>A]GAACTTCACCAGTGCTACCCAGGCATTGACAGAGTGGTACATCCTGCAGGCCACCAACAT-3'
Protein context (NP_000327.2, residues 196-216): CSLNRTQCTF[Arg206Gln]NFTSATQALT